The following is an entry in ClinVar:

NM_001394372.1(BICRA):c.1671G>A (p.Met557Ile)

Gene: BICRA (BRD4 interacting chromatin remodeling complex associated protein; plus strand). Cytogenetic location: 19q13.33.
Variant type: single nucleotide variant.
Coding change: c.1671G>A on transcript NM_001394372.1 (MANE Select); coding-DNA position 1671, G replaced by A.
Protein change: p.Met557Ile; replaces methionine 557 with isoleucine.
Molecular consequence: missense variant.
Genome position (GRCh38, 1-based): chr19:47,680,841, G>A. VCF-style: chr19-47680841-G-A. GRCh37 (hg19) VCF-style: chr19-48184098-G-A.
Other names: c.1671G>A, p.Met557Ile (NM_015711.3); short protein forms M557I.
Identifiers: ClinVar variation 4755759 (VCV004755759.1).

ClinVar aggregate classification (germline): Uncertain significance (1 of 4 stars; one submission).

gnomAD v4.1: 2 of 1,589,864 alleles (0.00013%); highest among the groups gnomAD compares: East Asian, 0.0023%; no homozygotes.

Submission:

GeneDx
Classification: Uncertain significance. Last evaluated: 2025-08-06. Review status: criteria provided, single submitter. Criteria: GeneDx Variant Classification Process June 2021. Collection method: clinical testing. Allele origin: germline. Affected: yes.
Comment: Not observed at significant frequency in large population cohorts (gnomAD); In silico analysis suggests that this missense variant does not alter protein structure/function; Has not been previously published as pathogenic or benign to our knowledge